The following is an entry in ClinVar:

ClinVar aggregate classification (germline): Uncertain significance (1 of 4 stars; one submission).

Conditions:
PIEZO2-related disorder. Also called: PIEZO2-related disorders; PIEZO2-related condition.

gnomAD v4.1: 1 of 1,537,072 alleles (0.000065%); highest among the groups gnomAD compares: East Asian, 0.0024%; no homozygotes.

Submission:

PreventionGenetics, part of Exact Sciences
Classification: Uncertain significance for PIEZO2-related condition. Last evaluated: 2026-03-18. Review status: criteria provided, single submitter. Criteria: ACMG Guidelines, 2015. Collection method: clinical testing. Allele origin: germline.
Comment: The PIEZO2 c.4673G>A variant is predicted to result in the amino acid substitution p.Ser1558Asn. To our knowledge, this variant has not been reported in the literature or in a large population database (gnomAD), indicating this variant is rare. At this time, the clinical significance of this variant is uncertain due to the absence of conclusive functional and genetic evidence.

NM_001378183.1(PIEZO2):c.4748G>A (p.Ser1583Asn)

Gene: PIEZO2 (piezo type mechanosensitive ion channel component 2; minus strand). Cytogenetic location: 18p11.22.
Variant type: single nucleotide variant.
Coding change: c.4748G>A on transcript NM_001378183.1 (MANE Select); coding-DNA position 4748, G replaced by A.
Protein change: p.Ser1583Asn; replaces serine 1583 with asparagine.
Molecular consequence: missense variant.
Genome position (GRCh38, 1-based): chr18:10,736,671, C>T on the plus strand (G>A on the coding strand, the complement: PIEZO2 is on the minus strand). VCF-style: chr18-10736671-C-T. GRCh37 (hg19) VCF-style: chr18-10736669-C-T.
Other names: c.4748G>A, p.Ser1583Asn (NM_001410871.1); c.4673G>A, p.Ser1558Asn (NM_022068.4); short protein forms S1583N, S1558N.
Identifiers: ClinVar variation 4985189 (VCV004985189.1).